The following is an entry in ClinVar:

ClinVar aggregate classification (germline): Uncertain significance (1 of 4 stars; one submission).

Conditions:
Cardiovascular phenotype. Identifiers: MedGen CN230736.

Allele frequency attached by ClinVar (database versions not stated): gnomAD 0.00001.
gnomAD v4.1: 1 of 1,613,986 alleles (0.000062%); no homozygotes.

Submission:

Ambry Genetics
Classification: Uncertain significance for Cardiovascular phenotype. Last evaluated: 2021-03-01. Review status: criteria provided, single submitter. Criteria: Ambry Variant Classification Scheme 2023. Collection method: clinical testing. Allele origin: germline.
Comment: The p.A1856T variant (also known as c.5566G>A), located in coding exon 34 of the FLNC gene, results from a G to A substitution at nucleotide position 5566. The alanine at codon 1856 is replaced by threonine, an amino acid with similar properties. This amino acid position is well conserved in available vertebrate species. In addition, this alteration is predicted to be tolerated by in silico analysis. Since supporting evidence is limited at this time, the clinical significance of this alteration remains unclear.

NM_001458.5(FLNC):c.5566G>A (p.Ala1856Thr)

Genes: FLNC (filamin C; plus strand), FLNC-AS1 (FLNC antisense RNA 1; minus strand). Cytogenetic location: 7q32.1.
Variant type: single nucleotide variant.
Coding change: c.5566G>A on transcript NM_001458.5 (MANE Select); coding-DNA position 5566, G replaced by A.
Protein change: p.Ala1856Thr; replaces alanine 1856 with threonine.
Molecular consequence: missense variant.
Genome position (GRCh38, 1-based): chr7:128,851,258, G>A. VCF-style: chr7-128851258-G-A. GRCh37 (hg19) VCF-style: chr7-128491312-G-A.
Other names: c.5467G>A, p.Ala1823Thr (NM_001127487.2); short protein forms A1856T, A1823T.
Identifiers: ClinVar variation 1748334 (VCV001748334.2), dbSNP rs1215780111, ClinGen allele CA369207287.